The following is an entry in ClinVar:

NM_006514.4(SCN10A):c.32A>G (p.Asn11Ser)

Gene: SCN10A (sodium voltage-gated channel alpha subunit 10; minus strand). Cytogenetic location: 3p22.2.
Variant type: single nucleotide variant.
Coding change: c.32A>G on transcript NM_006514.4 (MANE Select); coding-DNA position 32, A replaced by G.
Protein change: p.Asn11Ser; replaces asparagine 11 with serine.
Molecular consequence: missense variant.
Genome position (GRCh38, 1-based): chr3:38,793,979, T>C on the plus strand (A>G on the coding strand, the complement: SCN10A is on the minus strand). VCF-style: chr3-38793979-T-C. GRCh37 (hg19) VCF-style: chr3-38835470-T-C.
Other names: c.32A>G, p.Asn11Ser (NM_001293306.2, NM_001293307.2); short protein forms N11S.
Identifiers: ClinVar variation 2563722 (VCV002563722.3), dbSNP rs537640883, ClinGen allele CA2321319.

ClinVar aggregate classification (germline): Uncertain significance (1 of 4 stars; one submission).

Conditions:
Cardiovascular phenotype. Identifiers: MedGen CN230736.

Allele frequency attached by ClinVar (database versions not stated): gnomAD exomes below 0.00001; 1000 Genomes Project 0.00020; ExAC 0.00001; 1000 Genomes Project 30x 0.00016.

Submission:

Ambry Genetics
Classification: Uncertain significance for Cardiovascular phenotype. Last evaluated: 2025-11-02. Review status: criteria provided, single submitter. Criteria: Ambry Variant Classification Scheme 2023. Collection method: clinical testing. Allele origin: germline.
Comment: The p.N11S variant (also known as c.32A>G), located in coding exon 1 of the SCN10A gene, results from an A to G substitution at nucleotide position 32. The asparagine at codon 11 is replaced by serine, an amino acid with highly similar properties. This amino acid position is poorly conserved in available vertebrate species. In addition, this alteration is predicted to be tolerated by in silico analysis. The evidence for this gene-disease relationship is limited; therefore, the clinical significance of this alteration is unclear.